The following is an entry in ClinVar:

NM_000562.3(C8A):c.1039A>G (p.Met347Val)

Gene: C8A (complement C8 alpha chain; plus strand). Cytogenetic location: 1p32.2.
Variant type: single nucleotide variant.
Coding change: c.1039A>G on transcript NM_000562.3 (MANE Select); coding-DNA position 1039, A replaced by G.
Protein change: p.Met347Val; replaces methionine 347 with valine.
Molecular consequence: missense variant.
Genome position (GRCh38, 1-based): chr1:56,886,110, A>G. VCF-style: chr1-56886110-A-G. GRCh37 (hg19) VCF-style: chr1-57351783-A-G.
Other names: c.1039A>G (NM_000562.2); short protein forms M347V.
Identifiers: ClinVar variation 1375226 (VCV001375226.8), dbSNP rs374830601, ClinGen allele CA875216.
Genomic context (GRCh38, chr1:56,886,110, plus strand): 5'-TATGGCATGTATGCCAAGTTCATCAATGACTATGGCACCCATTACATCACATCTGGATCC[A>G]TGGGTGGCATTTATGAATATATCCTGGTGATTGACAAAGCAAAAATGGAATCCCTTGGTA-3'
Protein context (NP_000553.1, residues 337-357): YGTHYITSGS[Met347Val]GGIYEYILVI

ClinVar aggregate classification (germline): Uncertain significance. Review status: criteria provided, multiple submitters, no conflicts (2 of 4 stars). 4 submissions from 4 submitters: Uncertain significance (4). Last evaluated 2024-09-13.

Allele frequency attached by ClinVar (database versions not stated): gnomAD exomes below 0.00001; ExAC 0.00001; gnomAD 0.00001; TOPMed 0.00001.
gnomAD v4.1: 13 of 1,613,934 alleles (0.00081%); highest among the groups gnomAD compares: Middle Eastern, 0.016%; no homozygotes.

Submissions (4):

Blueprint Genetics
Classification: Uncertain significance. Last evaluated: 2024-09-13. Review status: criteria provided, single submitter. Criteria: ACMG Guidelines, 2015. Collection method: clinical testing. Allele origin: germline.

Ambry Genetics
Classification: Uncertain significance. Last evaluated: 2024-06-07. Review status: criteria provided, single submitter. Criteria: Ambry Variant Classification Scheme 2023. Collection method: clinical testing. Allele origin: germline.

Labcorp Genetics (formerly Invitae), Labcorp
Classification: Uncertain significance. Last evaluated: 2022-10-04. Review status: criteria provided, single submitter. Criteria: Invitae Variant Classification Sherloc (09022015). Collection method: clinical testing. Allele origin: germline.
Comment: This sequence change replaces methionine, which is neutral and non-polar, with valine, which is neutral and non-polar, at codon 347 of the C8A protein (p.Met347Val). This variant is present in population databases (rs374830601, gnomAD 0.006%). This variant has not been reported in the literature in individuals affected with C8A-related conditions. ClinVar contains an entry for this variant (Variation ID: 1375226). Algorithms developed to predict the effect of missense changes on protein structure and function are either unavailable or do not agree on the potential impact of this missense change (SIFT: "Tolerated"; PolyPhen-2: "Possibly Damaging"; Align-GVGD: "Class C0"). Algorithms developed to predict the effect of sequence changes on RNA splicing suggest that this variant may create or strengthen a splice site. In summary, the available evidence is currently insufficient to determine the role of this variant in disease. Therefore, it has been classified as a Variant of Uncertain Significance.

Breakthrough Genomics
Classification: Uncertain significance. Review status: criteria provided, single submitter. Criteria: ACMG Guidelines, 2015. Collection method: not provided. Allele origin: germline. Inheritance: Autosomal recessive inheritance. Affected: yes.